The following is an entry in ClinVar:

NM_052897.4(MBD6):c.1800T>C (p.Ala600=)

Gene: MBD6 (methyl-CpG binding domain protein 6; plus strand). Cytogenetic location: 12q13.3.
Variant type: single nucleotide variant.
Coding change: c.1800T>C on transcript NM_052897.4 (MANE Select); coding-DNA position 1800, T replaced by C.
Protein change: p.Ala600=; no amino-acid change (alanine 600 retained).
Molecular consequence: synonymous variant.
Genome position (GRCh38, 1-based): chr12:57,526,945, T>C. VCF-style: chr12-57526945-T-C. GRCh37 (hg19) VCF-style: chr12-57920728-T-C.
Identifiers: ClinVar variation 3049656 (VCV003049656.2), dbSNP rs150340019, ClinGen allele CA6651551.
Genomic context (GRCh38, chr12:57,526,945, plus strand): 5'-AGGAGGACCTGGTCCTCCCCTAGCCCCAGGAGAGCCTGAAGGGCCTTCGCTTTTGGTGGC[T>C]TCCTTGCTTCCTCCACCACCCTCAGACCTTCTTCCACCTCCTTCAGCACCTCCCAGCAAC-3'
Protein context (NP_443129.3, residues 590-610): GEPEGPSLLV[Ala600=]SLLPPPPSDL

ClinVar aggregate classification (germline): Likely benign (0 of 4 stars; one submission).

Conditions:
MBD6-related disorder. Also called: MBD6-related condition.

Allele frequency attached by ClinVar (database versions not stated): gnomAD exomes 0.00002; ExAC 0.00005; ESP Exome Variant Server 0.00008; gnomAD 0.00014; TOPMed 0.00015.
gnomAD v4.1: 46 of 1,613,518 alleles (0.0029%); highest among the groups gnomAD compares: African/African-American, 0.052%; no homozygotes.

Submission:

PreventionGenetics, part of Exact Sciences
Classification: Likely benign for MBD6-related condition. Last evaluated: 2019-07-10. Review status: no assertion criteria provided. Collection method: clinical testing. Allele origin: germline.
Comment: This variant is classified as likely benign based on ACMG/AMP sequence variant interpretation guidelines (Richards et al. 2015 PMID: 25741868, with internal and published modifications).